The following is an entry in ClinVar:

ClinVar aggregate classification (germline): Uncertain significance. Review status: criteria provided, multiple submitters, no conflicts (2 of 4 stars). 2 submissions from 2 submitters: Uncertain significance (2). Last evaluated 2021-12-27.

Conditions:
Hereditary cancer-predisposing syndrome. Also called: Neoplastic Syndromes, Hereditary; Hereditary Cancer Syndrome; Tumor predisposition; Hereditary neoplastic syndrome. Identifiers: Orphanet 140162, MedGen C0027672, MeSH D009386, MONDO:0015356.
Ataxia-telangiectasia syndrome (AT). Also called: LOUIS-BAR SYNDROME; Cerebello-oculocutaneous telangiectasia; Immunodeficiency with ataxia telangiectasia; Ataxia-telangiectasia, complementation group D; AT, COMPLEMENTATION GROUP C; Ataxia-telangiectasia, complementation group E. Identifiers: Orphanet 100, MedGen C0004135, MONDO:0008840, OMIM 208900.

Submissions (2):

Ambry Genetics
Classification: Uncertain significance for Hereditary cancer-predisposing syndrome. Last evaluated: 2021-12-27. Review status: criteria provided, single submitter. Criteria: Ambry Variant Classification Scheme 2023. Collection method: clinical testing. Allele origin: germline.
Comment: The p.K2421E variant (also known as c.7261A>G), located in coding exon 48 of the ATM gene, results from an A to G substitution at nucleotide position 7261. The lysine at codon 2421 is replaced by glutamic acid, an amino acid with similar properties. This amino acid position is highly conserved in available vertebrate species. In addition, this alteration is predicted to be deleterious by in silico analysis. Since supporting evidence is limited at this time, the clinical significance of this alteration remains unclear.

Labcorp Genetics (formerly Invitae), Labcorp
Classification: Uncertain significance for Ataxia-telangiectasia syndrome. Last evaluated: 2019-11-22. Review status: criteria provided, single submitter. Criteria: Invitae Variant Classification Sherloc (09022015). Collection method: clinical testing. Allele origin: germline.
Comment: In summary, the available evidence is currently insufficient to determine the role of this variant in disease. Therefore, it has been classified as a Variant of Uncertain Significance. Algorithms developed to predict the effect of missense changes on protein structure and function are either unavailable or do not agree on the potential impact of this missense change (SIFT: "Tolerated"; PolyPhen-2: "Possibly Damaging"; Align-GVGD: "Class C0"). This variant has not been reported in the literature in individuals with ATM-related conditions. ClinVar contains an entry for this variant (Variation ID: 481326). This variant is not present in population databases (ExAC no frequency). This sequence change replaces lysine with glutamic acid at codon 2421 of the ATM protein (p.Lys2421Glu). The lysine residue is moderately conserved and there is a small physicochemical difference between lysine and glutamic acid.

NM_000051.4(ATM):c.7261A>G (p.Lys2421Glu)

Genes: ATM (ATM serine/threonine kinase; plus strand), C11orf65 (chromosome 11 open reading frame 65; minus strand). Cytogenetic location: 11q22.3.
Variant type: single nucleotide variant.
Coding change: c.7261A>G on transcript NM_000051.4 (MANE Select); coding-DNA position 7261, A replaced by G.
Protein change: p.Lys2421Glu; replaces lysine 2421 with glutamic acid.
Molecular consequence: missense variant. On other transcripts: intron variant (2).
Genome position (GRCh38, 1-based): chr11:108,329,192, A>G. VCF-style: chr11-108329192-A-G. GRCh37 (hg19) VCF-style: chr11-108199919-A-G.
Other names: c.7261A>G, p.Lys2421Glu (NM_001351834.2); c.641-20121T>C (NM_001330368.2); c.*38+6028T>C (NM_001351110.2); short protein forms K2421E.
Identifiers: ClinVar variation 481326 (VCV000481326.15), dbSNP rs1555122220, ClinGen allele CA382559745.